The following is an entry in ClinVar:

NM_001165963.4(SCN1A):c.695-10T>C

Gene: SCN1A (sodium voltage-gated channel alpha subunit 1; minus strand). Cytogenetic location: 2q24.3.
Variant type: single nucleotide variant.
Coding change: c.695-10T>C on transcript NM_001165963.4 (MANE Select); 10 bases into the intron before coding-DNA position 695, T replaced by C.
Molecular consequence: intron variant.
Genome position (GRCh38, 1-based): chr2:166,051,998, A>G on the plus strand (T>C on the coding strand, the complement: SCN1A is on the minus strand). VCF-style: chr2-166051998-A-G. GRCh37 (hg19) VCF-style: chr2-166908508-A-G.
Other names: c.695-10T>C (NM_001353949.2, NM_001353958.2, NM_001353950.2 and 10 more transcripts); c.-1731-10T>C (NM_001353961.2).
Identifiers: ClinVar variation 508881 (VCV000508881.1), dbSNP rs1553550021, ClinGen allele CA658795931.

ClinVar aggregate classification (germline): Likely benign (1 of 4 stars; one submission).

Allele frequency attached by ClinVar (database versions not stated): gnomAD exomes below 0.00001.
gnomAD v4.1: 6 of 1,609,110 alleles (0.00037%); highest among the groups gnomAD compares: South Asian, 0.0011%; no homozygotes.

Submission:

GeneDx
Classification: Likely benign. Last evaluated: 2017-06-09. Review status: criteria provided, single submitter. Criteria: GeneDx Variant Classification (06012015). Collection method: clinical testing. Allele origin: germline. Affected: yes.
Comment: This variant is considered likely benign or benign based on one or more of the following criteria: it is a conservative change, it occurs at a poorly conserved position in the protein, it is predicted to be benign by multiple in silico algorithms, and/or has population frequency not consistent with disease.